The following is an entry in ClinVar:

NM_001142966.3(GREB1L):c.3481A>G (p.Thr1161Ala)

Gene: GREB1L (GREB1 like retinoic acid receptor coactivator; plus strand). Cytogenetic location: 18q11.1.
Variant type: single nucleotide variant.
Coding change: c.3481A>G on transcript NM_001142966.3 (MANE Select); coding-DNA position 3481, A replaced by G.
Protein change: p.Thr1161Ala; replaces threonine 1161 with alanine.
Molecular consequence: missense variant.
Genome position (GRCh38, 1-based): chr18:21,499,818, A>G. VCF-style: chr18-21499818-A-G. GRCh37 (hg19) VCF-style: chr18-19079779-A-G.
Other names: c.3610A>G, p.Thr1204Ala (NM_001410867.1); c.3154A>G, p.Thr1052Ala (NM_001410868.1); short protein forms T1052A, T1161A, T1204A.
Identifiers: ClinVar variation 2082672 (VCV002082672.4), dbSNP rs771818975, ClinGen allele CA8906590.

ClinVar aggregate classification (germline): Uncertain significance (1 of 4 stars; one submission).

Allele frequency attached by ClinVar (database versions not stated): gnomAD 0.00004; TOPMed 0.00006; gnomAD exomes 0.00008; ExAC 0.00009.
gnomAD v4.1: 111 of 1,551,620 alleles (0.0072%); highest among the groups gnomAD compares: Non-Finnish European, 0.0091%; no homozygotes.

Submission:

Labcorp Genetics (formerly Invitae), Labcorp
Classification: Uncertain significance. Last evaluated: 2025-11-05. Review status: criteria provided, single submitter. Criteria: Invitae Variant Classification Sherloc (09022015). Collection method: clinical testing. Allele origin: germline.
Comment: This sequence change replaces threonine, which is neutral and polar, with alanine, which is neutral and non-polar, at codon 1161 of the GREB1L protein (p.Thr1161Ala). This variant is present in population databases (rs771818975, gnomAD 0.02%). This variant has not been reported in the literature in individuals affected with GREB1L-related conditions. ClinVar contains an entry for this variant (Variation ID: 2082672). An algorithm developed to predict the effect of missense changes on protein structure and function (PolyPhen-2) suggests that this variant is likely to be tolerated. In summary, the available evidence is currently insufficient to determine the role of this variant in disease. Therefore, it has been classified as a Variant of Uncertain Significance.